The following is an entry in ClinVar:

ClinVar aggregate classification (germline): Uncertain significance (1 of 4 stars; one submission).

Conditions:
CC2D2A-related disorder. Also called: CC2D2A-related condition; CC2D2A-related disorders. Identifiers: MedGen CN239313.

gnomAD v4.1: 21 of 456,248 alleles (0.0046%); highest among the groups gnomAD compares: Non-Finnish European, 0.0075%; no homozygotes.

Submission:

PreventionGenetics, part of Exact Sciences
Classification: Uncertain significance for CC2D2A-related condition. Last evaluated: 2026-03-25. Review status: criteria provided, single submitter. Criteria: ACMG Guidelines, 2015. Collection method: clinical testing. Allele origin: germline.
Comment: The CC2D2A c.257T>C variant is predicted to result in the amino acid substitution p.Val86Ala. To our knowledge, this variant has not been reported in the literature. This variant is reported in 0.018% of alleles in individuals of European (Non-Finnish) descent in gnomAD. At this time, the clinical significance of this variant is uncertain due to the absence of conclusive functional and genetic evidence.

NM_001378615.1(CC2D2A):c.247+379T>C

Genes: CC2D2A (coiled-coil and C2 domain containing 2A; plus strand), FBXL5 (F-box and leucine rich repeat protein 5; minus strand). Cytogenetic location: 4p15.32.
Variant type: single nucleotide variant.
Coding change: c.247+379T>C on transcript NM_001378615.1 (MANE Select); 379 bases into the intron after coding-DNA position 247, T replaced by C.
Molecular consequence: intron variant. On other transcripts: missense variant (1), synonymous variant (1).
Genome position (GRCh38, 1-based): chr4:15,481,206, T>C. VCF-style: chr4-15481206-T-C. GRCh37 (hg19) VCF-style: chr4-15482830-T-C.
Other names: c.257T>C, p.Val86Ala (NM_001164720.3); c.363T>C, p.Gly121= (NM_020785.2); c.247+379T>C (NM_001080522.2); c.100+379T>C (NM_001378617.1); short protein forms V86A.
Identifiers: ClinVar variation 4991695 (VCV004991695.1).
Genomic context (GRCh38, chr4:15,481,206, plus strand): 5'-GTTGGTGTTGTCCTCTAGTAATGAGTGAGTTCTTGCTCTGTTCACTCACAGGAGAGCTGG[T>C]TGTTAAAAAGAGCCTGGGCAGGCCAGGCACGGTGACTCACGTCTGTAATCCCAGCACTTT-3'